The following is an entry in ClinVar:

NM_002295.6(RPSA):c.627+4A>G

Gene: RPSA (ribosomal protein SA; plus strand). Cytogenetic location: 3p22.1.
Variant type: single nucleotide variant.
Coding change: c.627+4A>G on transcript NM_002295.6 (MANE Select); 4 bases into the intron after coding-DNA position 627, A replaced by G.
Molecular consequence: intron variant.
Genome position (GRCh38, 1-based): chr3:39,411,781, A>G. VCF-style: chr3-39411781-A-G. GRCh37 (hg19) VCF-style: chr3-39453272-A-G.
Other names: c.627+4A>G (NM_002295.5); c.642+4A>G (NM_001304288.2).
Identifiers: ClinVar variation 2193869 (VCV002193869.6), dbSNP rs758186843, ClinGen allele CA2327870.

ClinVar aggregate classification (germline): Uncertain significance. Review status: criteria provided, single submitter (1 of 4 stars). 2 submissions from 2 submitters: Uncertain significance (1). 1 of the submissions does not count toward it. Last evaluated 2024-09-25.

Conditions:
RPSA-related disorder. Also called: RPSA-related condition.

Allele frequency attached by ClinVar (database versions not stated): gnomAD exomes 0.00001; TOPMed 0.00001; gnomAD 0.00002; ExAC 0.00003.
gnomAD v4.1: 14 of 1,599,672 alleles (0.00088%); highest among the groups gnomAD compares: Non-Finnish European, 0.0012%; no homozygotes.

Submissions (2):

Labcorp Genetics (formerly Invitae), Labcorp
Classification: Uncertain significance. Last evaluated: 2024-09-25. Review status: criteria provided, single submitter. Criteria: Invitae Variant Classification Sherloc (09022015). Collection method: clinical testing. Allele origin: germline.
Comment: This sequence change falls in intron 5 of the RPSA gene. It does not directly change the encoded amino acid sequence of the RPSA protein. It affects a nucleotide within the consensus splice site. This variant is present in population databases (rs758186843, gnomAD 0.004%). This variant has not been reported in the literature in individuals affected with RPSA-related conditions. ClinVar contains an entry for this variant (Variation ID: 2193869). Variants that disrupt the consensus splice site are a relatively common cause of aberrant splicing (PMID: 17576681, 9536098). Algorithms developed to predict the effect of sequence changes on RNA splicing suggest that this variant is not likely to affect RNA splicing. In summary, the available evidence is currently insufficient to determine the role of this variant in disease. Therefore, it has been classified as a Variant of Uncertain Significance.

PreventionGenetics, part of Exact Sciences
Classification: Likely benign for RPSA-related condition. Last evaluated: 2023-05-01. Review status: no assertion criteria provided. Collection method: clinical testing. Allele origin: germline. Not counted in ClinVar's aggregate classification.
Comment: This variant is classified as likely benign based on ACMG/AMP sequence variant interpretation guidelines (Richards et al. 2015 PMID: 25741868, with internal and published modifications).

Literature cited by the submitters: PubMed 17576681 (cited by Labcorp Genetics (formerly Invitae), Labcorp); PubMed 9536098 (cited by Labcorp Genetics (formerly Invitae), Labcorp).